The following is an entry in ClinVar:

NM_013275.6(ANKRD11):c.4087C>T (p.Arg1363Ter)

Gene: ANKRD11 (ankyrin repeat domain 11; minus strand). Cytogenetic location: 16q24.3.
Variant type: single nucleotide variant.
Coding change: c.4087C>T on transcript NM_013275.6 (MANE Select); coding-DNA position 4087, C replaced by T.
Protein change: p.Arg1363Ter; replaces arginine 1363 with a stop codon.
Molecular consequence: nonsense.
Genome position (GRCh38, 1-based): chr16:89,282,455, G>A on the plus strand (C>T on the coding strand, the complement: ANKRD11 is on the minus strand). VCF-style: chr16-89282455-G-A. GRCh37 (hg19) VCF-style: chr16-89348863-G-A.
Other names: c.4087C>T, p.Arg1363Ter (NM_001256182.2, NM_001256183.2); short protein forms R1363*.
Identifiers: ClinVar variation 488985 (VCV000488985.14), dbSNP rs1364690005, ClinGen allele CA397158341.

ClinVar aggregate classification (germline): Pathogenic. Review status: criteria provided, multiple submitters, no conflicts (2 of 4 stars). 8 submissions from 8 submitters: Pathogenic (6). 2 of the submissions do not count toward it. Last evaluated 2024-08-31.

Conditions:
ANKRD11-related disorder. Also called: ANKRD11-related condition.
Global developmental delay (DD). Also called: Cognitive delay. Identifiers: MedGen C0557874, HP:0001263. Disease mechanism: loss of function.
KBG syndrome (KBGS). Also called: ANKRD11-Related KBG Syndrome. Identifiers: Orphanet 2332, MedGen C0220687, MONDO:0007846, OMIM 148050.

Submissions (8):

3billion
Classification: Pathogenic for KBG syndrome. Last evaluated: 2024-08-31. Review status: criteria provided, single submitter. Criteria: ACMG Guidelines, 2015. Collection method: clinical testing. Allele origin: germline. Affected: yes.
Comment: The variant is not observed in the gnomAD v4.0.0 dataset. Predicted Consequence/Location: Stop-gained (nonsense): predicted to result in a loss or disruption of normal protein function through nonsense-mediated decay (NMD) or protein truncation. Multiple pathogenic variants are reported downstream of the variant. The variant has been reported at least twice as pathogenic with clinical assertions and evidence for the classification (ClinVar ID: VCV000488985 /PMID: 27605097). Therefore, this variant is classified as Pathogenic according to the recommendation of ACMG/AMP guideline.

Blueprint Genetics
Classification: Pathogenic for ANKRD11-related disorders. Last evaluated: 2023-06-13. Review status: criteria provided, single submitter. Criteria: ACMG Guidelines, 2015. Collection method: clinical testing. Allele origin: de novo. Affected: yes. Observed: 1 variant allele.

GeneDx
Classification: Pathogenic. Last evaluated: 2023-04-21. Review status: criteria provided, single submitter. Criteria: GeneDx Variant Classification Process June 2021. Collection method: clinical testing. Allele origin: germline. Affected: yes.
Comment: Nonsense variant predicted to result in protein truncation or nonsense mediated decay in a gene for which loss-of-function is a known mechanism of disease; Not observed at significant frequency in large population cohorts (gnomAD); This variant is associated with the following publications: (PMID: 27605097, 33955014, 31607427)

MGZ Medical Genetics Center
Classification: Pathogenic for KBG syndrome. Last evaluated: 2022-02-03. Review status: criteria provided, single submitter. Criteria: ACMG Guidelines, 2015. Collection method: clinical testing. Allele origin: germline. Affected: yes. Observed: 1 variant allele.
Comment: ACMG criteria applied: PVS1, PS2, PS4_SUP, PM2_SUP

Illumina Laboratory Services, Illumina
Classification: Pathogenic for KBG syndrome. Last evaluated: 2022-01-14. Review status: criteria provided, single submitter. Criteria: ICSLVariantClassificationCriteria RUGD 01 April 2020. Collection method: clinical testing. Allele origin: unknown.
Comment: The ANKRD11 c.4087C>T (p.Arg1363Ter) nonsense variant results in the substitution of arginine at amino acid position 1363 with a stop codon. Loss of normal protein function through either protein truncation or nonsense-mediated mRNA decay is expected. This variant has been reported in a heterozygous state in a total of three individuals with KBG syndrome. The variant occurred de novo in two of the affected individuals, and was inherited from an unaffected father in the third individual (Goldenberg et al. 2016; Aiken et al. 2019; Parenti et al. 2021). The c.4087C>T variant is not found in version 2.1.1 or version 3.1.2 of the Genome Aggregation Database. Based on the available evidence, the c.4087C>T (p.Arg1363Ter) variant is classified as pathogenic for KBG syndrome.

Institute for Human Genetics, University Hospital Essen
Classification: Pathogenic for Global developmental delay. Last evaluated: 2021-01-22. Review status: criteria provided, single submitter. Criteria: ACMG Guidelines, 2015. Collection method: research. Allele origin: de novo. Affected: yes.

Autoinflammatory diseases unit, CHU de Montpellier
Classification: Pathogenic for KBG syndrome. Last evaluated: 2018-07-06. Review status: no assertion criteria provided. Collection method: clinical testing. Allele origin: inherited. Affected: yes. Not counted in ClinVar's aggregate classification.

Genomic Medicine Center of Excellence, King Faisal Specialist Hospital and Research Centre
Classification: Uncertain significance for KBG syndrome. Last evaluated: 2024-03-25. Review status: flagged submission. Criteria: ACMG Guidelines, 2015. Collection method: clinical testing. Allele origin: germline. Not counted in ClinVar's aggregate classification.
ClinVar note: Reason: Outlier claim with insufficient supporting evidence

Literature cited by the submitters: PubMed 27605097 (cited by 3 submitters); PubMed 31607427 (cited by Illumina Laboratory Services, Illumina); PubMed 33955014 (cited by Illumina Laboratory Services, Illumina and Institute for Human Genetics, University Hospital Essen).